The following is an entry in ClinVar:

ClinVar aggregate classification (germline): Benign/Likely benign. Review status: criteria provided, multiple submitters, no conflicts (2 of 4 stars). 4 submissions from 4 submitters: Benign (1); Likely benign (3). Last evaluated 2026-01-26.

Conditions:
Emery-Dreifuss muscular dystrophy 5, autosomal dominant (EDMD5). Also called: EMERY-DREIFUSS MUSCULAR DYSTROPHY 5. Identifiers: Orphanet 261, MedGen C2751805, MONDO:0013072, OMIM 612999.

Submissions (4):

Labcorp Genetics (formerly Invitae), Labcorp
Classification: Benign for Emery-Dreifuss muscular dystrophy 5, autosomal dominant. Last evaluated: 2026-01-26. Review status: criteria provided, single submitter. Criteria: Invitae Variant Classification Sherloc (09022015). Collection method: clinical testing. Allele origin: germline.

CeGaT Center for Human Genetics Tuebingen
Classification: Likely benign. Last evaluated: 2025-11-01. Review status: criteria provided, single submitter. Criteria: CeGaT Center For Human Genetics Tuebingen Variant Classification Criteria Version 2. Collection method: clinical testing. Allele origin: germline. Affected: yes. Observed: 2 variant alleles.
Comment: SYNE2: PM4:Supporting, BS1

Blueprint Genetics
Classification: Likely benign. Last evaluated: 2024-10-16. Review status: criteria provided, single submitter. Criteria: ACMG Guidelines, 2015. Collection method: clinical testing. Allele origin: germline.

Athena Diagnostics
Classification: Likely benign. Last evaluated: 2017-09-30. Review status: criteria provided, single submitter. Criteria: Athena Diagnostics Criteria. Collection method: clinical testing. Allele origin: germline.

NM_182914.3(SYNE2):c.15290TTC[1] (p.Leu5098del)

Gene: SYNE2 (spectrin repeat containing nuclear envelope protein 2; plus strand). Cytogenetic location: 14q23.2.
Variant type: Microsatellite.
Coding change: c.15290TTC[1] on transcript NM_182914.3 (MANE Select); one copy of the 3-base unit TTC starting at c.15290; the reference has two copies in a row; one copy, 3 bases deleted.
Protein change: p.Leu5098del; deletes leucine 5098.
Molecular consequence: inframe deletion.
Genome position (GRCh38, 1-based): chr14:64,142,075-64,142,077, TTC deleted; deleting any 3 consecutive bases within chr14:64,142,070-64,142,077 gives the same sequence; the position shown is the placement nearest the transcript's 3' end. VCF-style (leftmost placement, unchanged base first): chr14-64142069-ATCT-A. GRCh37 (hg19) VCF-style: chr14-64608787-ATCT-A.
Other names: c.15290TTC[1], p.Leu5098del (NM_015180.6); c.15293_15295delTTC (NM_182914.2); short protein forms L5098del.
Identifiers: ClinVar variation 313609 (VCV000313609.42), dbSNP rs368230785, ClinGen allele CA7223036.